The following is an entry in ClinVar:

NM_175882.3(SPPL2C):c.137A>G (p.Tyr46Cys)

Genes: MAPT-AS1 (MAPT antisense RNA 1), SPPL2C (signal peptide peptidase like 2C). Cytogenetic location: 17q21.31.
Variant type: single nucleotide variant.
Coding change: c.137A>G on transcript NM_175882.3 (MANE Select); coding-DNA position 137, A replaced by G.
Protein change: p.Tyr46Cys; replaces tyrosine 46 with cysteine.
Molecular consequence: missense variant.
Genome position (GRCh38, 1-based): chr17:45,845,043, A>G. VCF-style: chr17-45845043-A-G. GRCh37 (hg19) VCF-style: chr17-43922409-A-G.
Other names: short protein forms Y46C.
Identifiers: ClinVar variation 787567 (VCV000787567.28), dbSNP rs145837446, ClinGen allele CA8617023.

ClinVar aggregate classification (germline): Likely benign. Review status: criteria provided, multiple submitters, no conflicts (2 of 4 stars). 3 submissions from 3 submitters: Likely benign (3). Last evaluated 2023-01-01.

Allele frequency attached by ClinVar (database versions not stated): 1000 Genomes Project 30x 0.00031; 1000 Genomes Project 0.00040; TOPMed 0.00177; ESP Exome Variant Server 0.00185; gnomAD 0.00187 and 0.00190; ExAC 0.00195; gnomAD exomes 0.00197 and 0.00227.
gnomAD v4.1: 3,610 of 1,614,036 alleles (0.22%); highest among the groups gnomAD compares: Middle Eastern, 0.33%; 13 homozygotes.

Submissions (3):

CeGaT Center for Human Genetics Tuebingen
Classification: Likely benign. Last evaluated: 2023-01-01. Review status: criteria provided, single submitter. Criteria: CeGaT Center For Human Genetics Tuebingen Variant Classification Criteria Version 2. Collection method: clinical testing. Allele origin: germline. Affected: yes. Observed: 1 variant allele.
Comment: SPPL2C: BP4, BS2

Labcorp Genetics (formerly Invitae), Labcorp
Classification: Likely benign. Last evaluated: 2017-12-04. Review status: criteria provided, single submitter. Criteria: Invitae Variant Classification Sherloc (09022015). Collection method: clinical testing. Allele origin: germline.

Breakthrough Genomics
Classification: Likely benign. Review status: criteria provided, single submitter. Criteria: ACMG Guidelines, 2015. Collection method: not provided. Allele origin: germline. Inheritance: Unknown mechanism. Affected: yes.